The following is an entry in ClinVar:

NM_001848.3(COL6A1):c.2852C>T (p.Thr951Met)

Gene: COL6A1 (collagen type VI alpha 1 chain; plus strand). Cytogenetic location: 21q22.3.
Variant type: single nucleotide variant.
Coding change: c.2852C>T on transcript NM_001848.3 (MANE Select); coding-DNA position 2852, C replaced by T.
Protein change: p.Thr951Met; replaces threonine 951 with methionine.
Molecular consequence: missense variant.
Genome position (GRCh38, 1-based): chr21:46,003,778, C>T. VCF-style: chr21-46003778-C-T. GRCh37 (hg19) VCF-style: chr21-47423692-C-T.
Other names: short protein forms T951M.
Identifiers: ClinVar variation 542966 (VCV000542966.17), dbSNP rs371111712, ClinGen allele CA10071051.

ClinVar aggregate classification (germline): Conflicting classifications of pathogenicity. Review status: criteria provided, conflicting classifications (1 of 4 stars). 7 submissions from 7 submitters: Uncertain significance (5); Likely benign (2). Last evaluated 2025-07-28.

Conditions:
Bethlem myopathy 1A. Also called: Bethlem myopathy 1; Bethlem Muscular Dystrophy; MYOPATHY, BENIGN CONGENITAL, WITH CONTRACTURES. Identifiers: Orphanet 610, MedGen CN029274, MONDO:0024530, OMIM 158810.
COL6A1-related disorder. Also called: COL6A1-related condition.

Allele frequency attached by ClinVar (database versions not stated): gnomAD exomes 0.00005 and 0.00011; ExAC 0.00008; TOPMed 0.00008; gnomAD 0.00013 and 0.00015; ESP Exome Variant Server 0.00015.
gnomAD v4.1: 174 of 1,611,728 alleles (0.011%); highest among the groups gnomAD compares: Middle Eastern, 0.016%; 1 homozygote.

Submissions (7):

PreventionGenetics, part of Exact Sciences
Classification: Uncertain significance for COL6A1-related condition. Last evaluated: 2025-07-28. Review status: criteria provided, single submitter. Criteria: ACMG Guidelines, 2015. Collection method: clinical testing. Allele origin: germline.
Comment: The COL6A1 c.2852C>T variant is predicted to result in the amino acid substitution p.Thr951Met. To our knowledge, this variant has not been reported in the literature. This variant is reported in 0.026% of alleles in individuals of East Asian descent in gnomAD. At this time, the clinical significance of this variant is uncertain due to the absence of conclusive functional and genetic evidence.

Labcorp Genetics (formerly Invitae), Labcorp
Classification: Likely benign for Bethlem myopathy 1A. Last evaluated: 2025-05-29. Review status: criteria provided, single submitter. Criteria: Invitae Variant Classification Sherloc (09022015). Collection method: clinical testing. Allele origin: germline.

Laboratory of Genetics, Children's Clinical University Hospital Latvia
Classification: Likely benign. Last evaluated: 2025-02-16. Review status: criteria provided, single submitter. Criteria: ACMG Guidelines, 2015. Collection method: clinical testing. Allele origin: germline. Affected: yes.

Revvity Omics, Revvity
Classification: Uncertain significance. Last evaluated: 2025-01-16. Review status: criteria provided, single submitter. Criteria: ACMG Guidelines, 2015. Collection method: clinical testing. Allele origin: germline.

Women's Health and Genetics/Laboratory Corporation of America, LabCorp
Classification: Uncertain significance. Last evaluated: 2024-10-31. Review status: criteria provided, single submitter. Criteria: LabCorp Variant Classification Summary - May 2015. Collection method: clinical testing. Allele origin: germline.
Comment: Variant summary: COL6A1 c.2852C>T (p.Thr951Met) results in a non-conservative amino acid change in the encoded protein sequence. Five of five in-silico tools predict a damaging effect of the variant on protein function. The variant allele was found at a frequency of 5.3e-05 in 247036 control chromosomes. This frequency is not significantly higher than estimated for a pathogenic variant in COL6A1 causing Ullrich congenital muscular dystrophy 1 (5.3e-05 vs 0.0035), allowing no conclusion about variant significance. To our knowledge, no occurrence of c.2852C>T in individuals affected with Ullrich congenital muscular dystrophy 1 and no experimental evidence demonstrating its impact on protein function have been reported. ClinVar contains an entry for this variant (Variation ID: 542966). Based on the evidence outlined above, the variant was classified as uncertain significance.

Blueprint Genetics
Classification: Uncertain significance. Last evaluated: 2024-06-26. Review status: criteria provided, single submitter. Criteria: ACMG Guidelines, 2015. Collection method: clinical testing. Allele origin: germline.

GeneDx
Classification: Uncertain significance. Last evaluated: 2022-08-16. Review status: criteria provided, single submitter. Criteria: GeneDx Variant Classification Process June 2021. Collection method: clinical testing. Allele origin: germline. Affected: yes.
Comment: Identified in trans with another variant in a patient with sporadic progressive bulbar palsy who also harbored a homozygous variant in the KIAA1755 gene; however, evidence in support of pathogenicity for the KIAA1755 variant was not provided in the report (Steinberg et al., 2015); In silico analysis supports that this missense variant has a deleterious effect on protein structure/function; This variant is associated with the following publications: (PMID: 25773295)